The following is an entry in ClinVar:

NM_181332.3(NLGN4X):c.392A>G (p.Asn131Ser)

Gene: NLGN4X (neuroligin 4 X-linked; minus strand). Cytogenetic location: Xp22.31.
Variant type: single nucleotide variant.
Coding change: c.392A>G on transcript NM_181332.3 (MANE Select); coding-DNA position 392, A replaced by G.
Protein change: p.Asn131Ser; replaces asparagine 131 with serine.
Molecular consequence: missense variant.
Genome position (GRCh38, 1-based): chrX:6,151,075, T>C on the plus strand (A>G on the coding strand, the complement: NLGN4X is on the minus strand). VCF-style: chrX-6151075-T-C. GRCh37 (hg19) VCF-style: chrX-6069116-T-C.
Other names: c.392A>G, p.Asn131Ser (NM_001282145.2, NM_001282146.2, NM_020742.4); short protein forms N131S.
Identifiers: ClinVar variation 1174763 (VCV001174763.32), dbSNP rs145307351, ClinGen allele CA10341230.

ClinVar aggregate classification (germline): Likely benign. Review status: criteria provided, multiple submitters, no conflicts (2 of 4 stars). 6 submissions from 6 submitters: Likely benign (2). 4 of the submissions do not count toward it. Last evaluated 2024-11-21.

Allele frequency attached by ClinVar (database versions not stated): gnomAD exomes 0.00044 and 0.00045; ExAC 0.00050; gnomAD 0.00056 and 0.00057; TOPMed 0.00046; ESP Exome Variant Server 0.00047.
gnomAD v4.1: 553 of 1,210,265 alleles (0.046%); highest among the groups gnomAD compares: Non-Finnish European, 0.054%; no homozygotes.

Submissions (6):

Blueprint Genetics
Classification: Likely benign. Last evaluated: 2024-11-21. Review status: criteria provided, single submitter. Criteria: ACMG Guidelines, 2015. Collection method: clinical testing. Allele origin: germline.

CeGaT Center for Human Genetics Tuebingen
Classification: Likely benign. Last evaluated: 2022-07-01. Review status: criteria provided, single submitter. Criteria: CeGaT Center For Human Genetics Tuebingen Variant Classification Criteria Version 2. Collection method: clinical testing. Allele origin: germline. Affected: yes. Observed: 3 variant alleles.
Comment: NLGN4X: BS2

Clinical Genetics DNA and cytogenetics Diagnostics Lab, Erasmus MC, Erasmus Medical Center
Classification: Likely benign. Review status: no assertion criteria provided. Collection method: clinical testing. Allele origin: germline. Affected: yes. Study: VKGL Data-share Consensus. Not counted in ClinVar's aggregate classification.

Diagnostic Laboratory, Department of Genetics, University Medical Center Groningen
Classification: Likely benign. Review status: no assertion criteria provided. Collection method: clinical testing. Allele origin: germline. Affected: yes. Study: VKGL Data-share Consensus. Not counted in ClinVar's aggregate classification.

Joint Genome Diagnostic Labs from Nijmegen and Maastricht, Radboudumc and MUMC+
Classification: Likely benign. Review status: no assertion criteria provided. Collection method: clinical testing. Allele origin: germline. Affected: yes. Study: VKGL Data-share Consensus. Not counted in ClinVar's aggregate classification.

Laboratory of Diagnostic Genome Analysis, Leiden University Medical Center (LUMC)
Classification: Likely benign. Review status: no assertion criteria provided. Collection method: clinical testing. Allele origin: germline. Affected: yes. Study: VKGL Data-share Consensus. Not counted in ClinVar's aggregate classification.